The following is an entry in ClinVar:

NM_013382.7(POMT2):c.769A>G (p.Thr257Ala)

Gene: POMT2 (protein O-mannosyltransferase 2; minus strand). Cytogenetic location: 14q24.3.
Variant type: single nucleotide variant.
Coding change: c.769A>G on transcript NM_013382.7 (MANE Select); coding-DNA position 769, A replaced by G.
Protein change: p.Thr257Ala; replaces threonine 257 with alanine.
Molecular consequence: missense variant.
Genome position (GRCh38, 1-based): chr14:77,301,137, T>C on the plus strand (A>G on the coding strand, the complement: POMT2 is on the minus strand). VCF-style: chr14-77301137-T-C. GRCh37 (hg19) VCF-style: chr14-77767480-T-C.
Other names: short protein forms T257A.
Identifiers: ClinVar variation 424437 (VCV000424437.9), dbSNP rs371988132, ClinGen allele CA7286095.
Genomic context (GRCh38, chr14:77,301,137, plus strand): 5'-CTTGGGTGCTCACCAATGAAAGACTGAGGTCTCCGAACAGGTACCAAAGGTCTGCAATGG[T>C]GTTCAGCCCCACTTGAAGGATGATAAAGAGGCCAACAAACTTGACCCCTAAAGCACCAGC-3'
Protein context (NP_037514.2, residues 247-267): LFIILQVGLN[Thr257Ala]IADLWYLFGD

ClinVar aggregate classification (germline): Uncertain significance. Review status: criteria provided, multiple submitters, no conflicts (2 of 4 stars). 3 submissions from 3 submitters: Uncertain significance (3). Last evaluated 2025-06-07.

Conditions:
Inborn genetic diseases. Identifiers: MedGen C0950123, MeSH D030342.
Muscular dystrophy-dystroglycanopathy (congenital with brain and eye anomalies), type A2. Also called: MUSCULAR DYSTROPHY-DYSTROGLYCANOPATHY (CONGENITAL WITH BRAIN AND EYE ANOMALIES), TYPE A, 2; WALKER-WARBURG SYNDROME OR MUSCLE-EYE-BRAIN DISEASE, POMT2-RELATED. Identifiers: Orphanet 588, Orphanet 899, MedGen C3150411, MONDO:0013154, OMIM 613150.
Muscular dystrophy-dystroglycanopathy (congenital with impaired intellectual development), type B, 2. Also called: Muscular dystrophy-dystroglycanopathy (congenital with intellectual disability), type B2; MUSCULAR DYSTROPHY, CONGENITAL, POMT2-RELATED. Identifiers: MedGen C3150416, MONDO:0013160, OMIM 613156.
Autosomal recessive limb-girdle muscular dystrophy type 2N. Also called: MUSCULAR DYSTROPHY-DYSTROGLYCANOPATHY, LIMB-GIRDLE, POMT2-RELATED; Muscular dystrophy-dystroglycanopathy (limb-girdle), type C, 2. Identifiers: Orphanet 206559, MedGen C3150418, MONDO:0013162, OMIM 613158.

Allele frequency attached by ClinVar (database versions not stated): gnomAD 0.00003; gnomAD exomes 0.00003 and 0.00004; ExAC 0.00001; ESP Exome Variant Server 0.00015; 1000 Genomes Project 30x 0.00016; 1000 Genomes Project 0.00020; TOPMed 0.00004.

Submissions (3):

Ambry Genetics
Classification: Uncertain significance for Inborn genetic diseases. Last evaluated: 2025-06-07. Review status: criteria provided, single submitter. Criteria: Ambry Variant Classification Scheme 2023. Collection method: clinical testing. Allele origin: germline.

Labcorp Genetics (formerly Invitae), Labcorp
Classification: Uncertain significance for Muscular dystrophy-dystroglycanopathy (congenital with impaired intellectual development), type B, 2; Muscular dystrophy-dystroglycanopathy (congenital with brain and eye anomalies), type A2; Autosomal recessive limb-girdle muscular dystrophy type 2N. Last evaluated: 2022-08-04. Review status: criteria provided, single submitter. Criteria: Invitae Variant Classification Sherloc (09022015). Collection method: clinical testing. Allele origin: germline.
Comment: This sequence change replaces threonine, which is neutral and polar, with alanine, which is neutral and non-polar, at codon 257 of the POMT2 protein (p.Thr257Ala). This variant is present in population databases (rs371988132, gnomAD 0.009%). This variant has not been reported in the literature in individuals affected with POMT2-related conditions. ClinVar contains an entry for this variant (Variation ID: 424437). Algorithms developed to predict the effect of missense changes on protein structure and function (SIFT, PolyPhen-2, Align-GVGD) all suggest that this variant is likely to be disruptive. In summary, the available evidence is currently insufficient to determine the role of this variant in disease. Therefore, it has been classified as a Variant of Uncertain Significance.

GeneDx
Classification: Uncertain significance. Last evaluated: 2017-03-20. Review status: criteria provided, single submitter. Criteria: GeneDx Variant Classification (06012015). Collection method: clinical testing. Allele origin: germline. Affected: yes.
Comment: A variant of uncertain significance has been identified in the POMT2 gene. The T257A variant has not been published as a pathogenic variant, nor has it been reported as a benign variant to our knowledge. The T257A variant is not observed at a significant frequency in large population cohorts (Lek et al., 2016; 1000 Genomes Consortium et al., 2015; Exome Variant Server). The T257A variant is a non-conservative amino acid substitution, which is likely to impact secondary protein structure as these residues differ in polarity, charge, size and/or other properties. This substitution occurs at a position that is conserved across species, and in silico analysis predicts this variant is probably damaging to the protein structure/function. Based on the currently available information, it is unclear whether this variant is a pathogenic variant or a rare benign variant.